The following is an entry in ClinVar:

NM_000038.6(APC):c.8183T>C (p.Val2728Ala)

Gene: APC (APC regulator of Wnt signaling pathway; plus strand). Cytogenetic location: 5q22.2.
Variant type: single nucleotide variant.
Coding change: c.8183T>C on transcript NM_000038.6 (MANE Select); coding-DNA position 8183, T replaced by C.
Protein change: p.Val2728Ala; replaces valine 2728 with alanine.
Molecular consequence: missense variant. On other transcripts: non-coding transcript variant (2).
Genome position (GRCh38, 1-based): chr5:112,843,777, T>C. VCF-style: chr5-112843777-T-C. GRCh37 (hg19) VCF-style: chr5-112179474-T-C.
Other names: c.8183T>C, p.Val2728Ala (NM_001127510.3, NM_001354895.2, NM_001407450.1); c.8129T>C, p.Val2710Ala (NM_001127511.3); c.8237T>C, p.Val2746Ala (NM_001354896.2, NM_001407447.1, NM_001407448.1 and 1 more transcripts); c.8213T>C, p.Val2738Ala (NM_001354897.2); c.8108T>C, p.Val2703Ala (NM_001354898.2); c.8099T>C, p.Val2700Ala (NM_001354899.2); c.8060T>C, p.Val2687Ala (NM_001354900.2); c.8006T>C, p.Val2669Ala (NM_001354901.2, NM_001407453.1); and 11 more; short protein forms V2568A, V2700A, V2746A, V2344A, V2627A, V2710A, V2756A, V2445A.
Identifiers: ClinVar variation 3927060 (VCV003927060.1).
Genomic context (GRCh38, chr5:112,843,777, plus strand): 5'-ATGGCAGTGTTCCCATGCGTACCGTGGGTTTGGAAAATCGCCTGAACTCCTTTATTCAGG[T>C]GGATGCCCCTGACCAAAAAGGAACTGAGATAAAACCAGGACAAAATAATCCTGTCCCTGT-3'
Protein context (NP_000029.2, residues 2718-2738): LENRLNSFIQ[Val2728Ala]DAPDQKGTEI

ClinVar aggregate classification (germline): Uncertain significance (1 of 4 stars; one submission).

Conditions:
Hereditary cancer-predisposing syndrome. Also called: Hereditary Cancer Syndrome; Hereditary neoplastic syndrome; Neoplastic Syndromes, Hereditary; Tumor predisposition. Identifiers: Orphanet 140162, MedGen C0027672, MeSH D009386, MONDO:0015356.

Submission:

Ambry Genetics
Classification: Uncertain significance for Hereditary cancer-predisposing syndrome. Last evaluated: 2025-05-31. Review status: criteria provided, single submitter. Criteria: Ambry Variant Classification Scheme 2023. Collection method: clinical testing. Allele origin: germline.
Comment: The p.V2728A variant (also known as c.8183T>C), located in coding exon 15 of the APC gene, results from a T to C substitution at nucleotide position 8183. The valine at codon 2728 is replaced by alanine, an amino acid with similar properties. This amino acid position is conserved. In addition, in silico predictors for this gene do not accurately predict pathogenicity. Based on the available evidence, the clinical significance of this variant remains unclear.